The following is an entry in ClinVar:

ClinVar aggregate classification (germline): Uncertain significance (1 of 4 stars; one submission).

Submission:

Labcorp Genetics (formerly Invitae), Labcorp
Classification: Uncertain significance. Last evaluated: 2022-09-10. Review status: criteria provided, single submitter. Criteria: Invitae Variant Classification Sherloc (09022015). Collection method: clinical testing. Allele origin: germline.
Comment: In summary, the available evidence is currently insufficient to determine the role of this variant in disease. Therefore, it has been classified as a Variant of Uncertain Significance. Advanced modeling of protein sequence and biophysical properties (such as structural, functional, and spatial information, amino acid conservation, physicochemical variation, residue mobility, and thermodynamic stability) performed at Invitae indicates that this missense variant is expected to disrupt FH protein function. This variant has not been reported in the literature in individuals affected with FH-related conditions. This variant is not present in population databases (gnomAD no frequency). This sequence change replaces lysine, which is basic and polar, with glutamic acid, which is acidic and polar, at codon 221 of the FH protein (p.Lys221Glu).

NM_000143.4(FH):c.661A>G (p.Lys221Glu)

Gene: FH (fumarate hydratase; minus strand). Cytogenetic location: 1q43.
Variant type: single nucleotide variant.
Coding change: c.661A>G on transcript NM_000143.4 (MANE Select); coding-DNA position 661, A replaced by G.
Protein change: p.Lys221Glu; replaces lysine 221 with glutamic acid.
Molecular consequence: missense variant.
Genome position (GRCh38, 1-based): chr1:241,508,680, T>C on the plus strand (A>G on the coding strand, the complement: FH is on the minus strand). VCF-style: chr1-241508680-T-C. GRCh37 (hg19) VCF-style: chr1-241671980-T-C.
Other names: short protein forms K221E.
Identifiers: ClinVar variation 2011649 (VCV002011649.4), dbSNP rs2527327268, ClinGen allele CA345439297.